The following is an entry in ClinVar:

NM_001330288.2(SMARCC2):c.3571G>A (p.Gly1191Arg)

Gene: SMARCC2 (SWI/SNF related BAF chromatin remodeling complex subunit C2; minus strand). Cytogenetic location: 12q13.2.
Variant type: single nucleotide variant.
Coding change: c.3571G>A on transcript NM_001330288.2 (MANE Select); coding-DNA position 3571, G replaced by A.
Protein change: p.Gly1191Arg; replaces glycine 1191 with arginine.
Molecular consequence: missense variant. On other transcripts: intron variant (2).
Genome position (GRCh38, 1-based): chr12:56,164,393, C>T on the plus strand (G>A on the coding strand, the complement: SMARCC2 is on the minus strand). VCF-style: chr12-56164393-C-T. GRCh37 (hg19) VCF-style: chr12-56558177-C-T.
Other names: c.3478G>A, p.Gly1160Arg (NM_003075.5); c.3316+255G>A (NM_139067.4); c.3317-25G>A (NM_001130420.3); short protein forms G1160R, G1191R.
Identifiers: ClinVar variation 4976412 (VCV004976412.1).

ClinVar aggregate classification (germline): Uncertain significance (1 of 4 stars; one submission).

Submission:

GeneDx
Classification: Uncertain significance. Last evaluated: 2026-02-07. Review status: criteria provided, single submitter. Criteria: GeneDx Variant Classification Process June 2021. Collection method: clinical testing. Allele origin: germline.
Comment: Not observed at significant frequency in large population cohorts (gnomAD); In silico analysis suggests that this missense variant does not alter protein structure/function; In silico analysis suggests this variant may impact gene splicing. In the absence of RNA/functional studies, the actual effect of this sequence change is unknown.; Has not been previously published as pathogenic or benign to our knowledge